The following is an entry in ClinVar:

NM_020461.4(TUBGCP6):c.3703A>G (p.Ile1235Val)

Gene: TUBGCP6 (tubulin gamma complex component 6; minus strand). Cytogenetic location: 22q13.33.
Variant type: single nucleotide variant.
Coding change: c.3703A>G on transcript NM_020461.4 (MANE Select); coding-DNA position 3703, A replaced by G.
Protein change: p.Ile1235Val; replaces isoleucine 1235 with valine.
Molecular consequence: missense variant.
Genome position (GRCh38, 1-based): chr22:50,220,656, T>C on the plus strand (A>G on the coding strand, the complement: TUBGCP6 is on the minus strand). VCF-style: chr22-50220656-T-C. GRCh37 (hg19) VCF-style: chr22-50659085-T-C.
Other names: short protein forms I1235V.
Identifiers: ClinVar variation 1392318 (VCV001392318.5), dbSNP rs756945224, ClinGen allele CA10307849.

ClinVar aggregate classification (germline): Uncertain significance (1 of 4 stars; one submission).

Allele frequency attached by ClinVar (database versions not stated): gnomAD 0.00001; gnomAD exomes 0.00001 and 0.00005; TOPMed 0.00003; ExAC 0.00005.

Submission:

Labcorp Genetics (formerly Invitae), Labcorp
Classification: Uncertain significance. Last evaluated: 2022-09-27. Review status: criteria provided, single submitter. Criteria: Invitae Variant Classification Sherloc (09022015). Collection method: clinical testing. Allele origin: germline.
Comment: This sequence change replaces isoleucine, which is neutral and non-polar, with valine, which is neutral and non-polar, at codon 1235 of the TUBGCP6 protein (p.Ile1235Val). This variant is present in population databases (rs756945224, gnomAD 0.04%). This variant has not been reported in the literature in individuals affected with TUBGCP6-related conditions. ClinVar contains an entry for this variant (Variation ID: 1392318). Algorithms developed to predict the effect of missense changes on protein structure and function (SIFT, PolyPhen-2, Align-GVGD) all suggest that this variant is likely to be tolerated. In summary, the available evidence is currently insufficient to determine the role of this variant in disease. Therefore, it has been classified as a Variant of Uncertain Significance.